The following is an entry in ClinVar:

NM_032242.4(PLXNA1):c.1998-37G>A

Gene: PLXNA1 (plexin A1; plus strand). Cytogenetic location: 3q21.3.
Variant type: single nucleotide variant.
Coding change: c.1998-37G>A on transcript NM_032242.4 (MANE Select); 37 bases into the intron before coding-DNA position 1998, G replaced by A.
Molecular consequence: intron variant.
Genome position (GRCh38, 1-based): chr3:127,007,762, G>A. VCF-style: chr3-127007762-G-A. GRCh37 (hg19) VCF-style: chr3-126726605-G-A.
Identifiers: ClinVar variation 4854928 (VCV004854928.1).

ClinVar aggregate classification (germline): Uncertain significance (1 of 4 stars; one submission).

Conditions:
Dworschak-Punetha neurodevelopmental syndrome (DWOPNED). Identifiers: MedGen C5677017, MONDO:0859260, OMIM 619955.

gnomAD v4.1: 73 of 1,419,762 alleles (0.0051%); highest among the groups gnomAD compares: Middle Eastern, 0.019%; no homozygotes.

Submission:

3billion
Classification: Uncertain significance for Dworschak-Punetha neurodevelopmental syndrome. Last evaluated: 2025-12-10. Review status: criteria provided, single submitter. Criteria: ACMG Guidelines, 2015. Collection method: clinical testing. Allele origin: germline. Affected: yes.
Comment: The variant is observed at an extremely low frequency in the gnomAD v4.1.0 dataset (total allele frequency: 0.005%). Predicted Consequence/Location: Intron variant In silico tools predict the variant to alter splicing and produce an abnormal transcript [SpliceAI: 0.78 (>=0.2, moderate evidence for spliceogenicity)]. Therefore, this variant is classified as VUS according to the recommendation of ACMG/AMP guideline.